The following is an entry in ClinVar:

ClinVar aggregate classification (germline): Uncertain significance (1 of 4 stars; one submission).

Submission:

GeneDx
Classification: Uncertain significance. Last evaluated: 2024-02-27. Review status: criteria provided, single submitter. Criteria: GeneDx Variant Classification Process June 2021. Collection method: clinical testing. Allele origin: germline. Affected: yes.
Comment: Not observed at significant frequency in large population cohorts (gnomAD); In silico analysis supports that this missense variant does not alter protein structure/function; Has not been previously published as pathogenic or benign to our knowledge

NM_000525.4(KCNJ11):c.17G>A (p.Gly6Asp)

Gene: KCNJ11 (potassium inwardly rectifying channel subfamily J member 11; minus strand). Cytogenetic location: 11p15.1.
Variant type: single nucleotide variant.
Coding change: c.17G>A on transcript NM_000525.4 (MANE Select); coding-DNA position 17, G replaced by A.
Protein change: p.Gly6Asp; replaces glycine 6 with aspartic acid.
Molecular consequence: missense variant. On other transcripts: 5 prime UTR variant (1), intron variant (2).
Genome position (GRCh38, 1-based): chr11:17,388,075, C>T on the plus strand (G>A on the coding strand, the complement: KCNJ11 is on the minus strand). VCF-style: chr11-17388075-C-T. GRCh37 (hg19) VCF-style: chr11-17409622-C-T.
Other names: c.-74G>A (NM_001377296.1); c.-16-229G>A (NM_001166290.2, NM_001377297.1); short protein forms G6D.
Identifiers: ClinVar variation 3369832 (VCV003369832.1).